The following is an entry in ClinVar:

NM_016507.4(CDK12):c.346C>T (p.His116Tyr)

Genes: CDK12 (cyclin dependent kinase 12; plus strand), LOC126862553 (CDK7 strongly-dependent group 2 enhancer GRCh37_chr17:37618166-37619365; plus strand). Cytogenetic location: 17q12.
Variant type: single nucleotide variant.
Coding change: c.346C>T on transcript NM_016507.4 (MANE Select); coding-DNA position 346, C replaced by T.
Protein change: p.His116Tyr; replaces histidine 116 with tyrosine.
Molecular consequence: missense variant.
Genome position (GRCh38, 1-based): chr17:39,462,417, C>T. VCF-style: chr17-39462417-C-T. GRCh37 (hg19) VCF-style: chr17-37618670-C-T.
Other names: c.346C>T, p.His116Tyr (NM_015083.4); short protein forms H116Y.
Identifiers: ClinVar variation 3999266 (VCV003999266.1).

ClinVar aggregate classification (germline): Uncertain significance (1 of 4 stars; one submission).

Submission:

Ambry Genetics
Classification: Uncertain significance. Last evaluated: 2025-03-25. Review status: criteria provided, single submitter. Criteria: Ambry Variant Classification Scheme 2023. Collection method: clinical testing. Allele origin: germline.
Comment: The p.H116Y variant (also known as c.346C>T), located in coding exon 1 of the CDK12 gene, results from a C to T substitution at nucleotide position 346. The histidine at codon 116 is replaced by tyrosine, an amino acid with similar properties. This amino acid position is conserved. In addition, this alteration is predicted to be tolerated by in silico analysis. Based on the available evidence, the clinical significance of this variant remains unclear.